The following is an entry in ClinVar:

ClinVar aggregate classification (germline): Pathogenic/Likely pathogenic. Review status: criteria provided, multiple submitters, no conflicts (2 of 4 stars). 17 submissions from 16 submitters: Pathogenic (12); Likely pathogenic (2). 3 of the submissions do not count toward it. Last evaluated 2026-08-31.

Conditions:
Renal tubulopathies.
SLC4A1-related disorder. Also called: SLC4A1-related disorders; SLC4A1-related condition.
Southeast Asian ovalocytosis. Also called: HE, STOMATOCYTIC; Elliptocytosis 4; Stomatocytic elliptocytosis, hereditary; Ovalocytosis, Malaysian-Melanesian-Filipino type. Identifiers: Orphanet 98868, MedGen C1862322, MONDO:0008165, OMIM 166900.
BLOOD GROUP--WRIGHT ANTIGEN (WR). Identifiers: MedGen C1862190, OMIM 112050.
BLOOD GROUP--DIEGO SYSTEM (DI). Identifiers: MedGen C1292286, OMIM 110500.
Hereditary spherocytosis type 4. Also called: SLC4A1-Related Spherocytosis. Identifiers: Orphanet 822, MedGen C2675212, MONDO:0012981, OMIM 612653.
Autosomal dominant distal renal tubular acidosis (DRTA1). Also called: RTA, CLASSIC TYPE; RTA, DISTAL TYPE, AUTOSOMAL DOMINANT; RTA, GRADIENT TYPE; RENAL TUBULAR ACIDOSIS, DISTAL, 1; Renal Tubular Acidosis, Type I. Identifiers: Orphanet 93608, MedGen CN280572, MONDO:0008368, OMIM 179800.
Renal tubular acidosis, distal, 4, with hemolytic anemia. Also called: Renal Tubular Acidosis, Distal, with Hemolytic Anemia. Identifiers: Orphanet 93610, MedGen C5436235, MONDO:0012700, OMIM 611590.
Malaria, susceptibility to. Identifiers: Orphanet 673, MedGen C1970028, MONDO:0021024, OMIM 611162.
Cryohydrocytosis. Also called: CRYOHYDROCYTOSIS DUE TO BAND 3 HEMEL; CRYOHYDROCYTOSIS DUE TO BAND 3 HURSTPIERPOINT; CRYOHYDROCYTOSIS DUE TO BAND 3 BLACKBURN; Hereditary cryohydrocytosis with normal stomatin; STOMATOCYTOSIS, COLD-SENSITIVE. Identifiers: Orphanet 398088, MedGen C1861453, MONDO:0008494, OMIM 185020.
BLOOD GROUP--SWANN SYSTEM (SW). Also called: SWANN BLOOD GROUP. Identifiers: MedGen C1832169, OMIM 601550.
BLOOD GROUP, WALDNER (WD). Also called: WALDNER BLOOD GROUP ANTIGEN. Identifiers: MedGen C1862191, OMIM 112010.
BLOOD GROUP--FROESE (FR). Also called: FROESE BLOOD GROUP ANTIGEN. Identifiers: MedGen C1832168, OMIM 601551.
Distal renal tubular acidosis. Identifiers: Orphanet 18, MedGen C1704380, MONDO:0015827, HP:0008341.
Malaria, cerebral, resistance to. Identifiers: MedGen C1969379.

Submissions 1 to 11 of 17:

Clinical Genetics Laboratory, Skane University Hospital Lund
Classification: Pathogenic for Southeast Asian ovalocytosis. Last evaluated: 2026-08-31. Review status: criteria provided, single submitter. Criteria: ACMG Guidelines, 2015. Collection method: clinical testing. Allele origin: germline. Affected: yes.
Comment: ACMG criteria used: PS3_Moderate, PS4_Moderate, PM1, PM4, PP1_Strong.

Genetics Laboratory, Great Ormond Street Hospital NHS Foundation Trust, North Thames Genomic Laboratory Hub
Classification: Likely pathogenic for Renal tubulopathies. Last evaluated: 2026-07-04. Review status: criteria provided, single submitter. Criteria: ACGS Best Practice Guidelines for Variant Classification in Rare Disease 2024 v1.2. Collection method: clinical testing. Allele origin: germline. Affected: yes.
Comment: PM2_moderate, PM4_moderate, PM3_strong

PreventionGenetics, part of Exact Sciences
Classification: Pathogenic for SLC4A1-related condition. Last evaluated: 2026-05-05. Review status: criteria provided, single submitter. Criteria: ACMG Guidelines, 2015. Collection method: clinical testing. Allele origin: germline.
Comment: The SLC4A1 c.1199_1225del27 variant is predicted to result in an in-frame deletion (p.Ala400_Ala408del). This variant has previously been reported to be causative for autosomal dominant Southeast Asian ovalocytosis (SAO) (Jarolim et al. 1991. PubMed ID: 1722314; Liu et al. 1990. PubMed ID: 2146504). This variant has also been reported in the compound heterozygous state for autosomal recessive renal tubular acidosis with hemolytic anemia (Reported as SAO deletion in Wrong et al. 2002. PubMed: 12081559; Hureaux. 2019. PubMed ID: 31672324; Jobst-Schwan et al. 2020. PubMed ID: 31959358; Deejai et al. 2022. PubMed ID: 36320073).This variant is reported in 0.020% of alleles in individuals of East Asian descent in gnomAD. This variant is interpreted as pathogenic.

CeGaT Center for Human Genetics Tuebingen
Classification: Pathogenic. Last evaluated: 2026-04-01. Review status: criteria provided, single submitter. Criteria: CeGaT Center For Human Genetics Tuebingen Variant Classification Criteria Version 2. Collection method: clinical testing. Allele origin: germline. Affected: yes. Observed: 1 variant allele.
Comment: SLC4A1: PP1:Strong, PM4, PS4:Moderate, PM2:Supporting, PS3:Supporting

3billion
Classification: Pathogenic for Southeast Asian ovalocytosis. Last evaluated: 2026-01-15. Review status: criteria provided, single submitter. Criteria: ACMG Guidelines, 2015. Collection method: clinical testing. Allele origin: germline. Affected: yes.
Comment: The variant is observed in the gnomAD v4.1.0 dataset (total allele frequency: 0.002%). Predicted Consequence/Location: Inframe deletion located in a nonrepeat region: predicted to change the length of the protein and disrupt normal protein function. Functional studies provide moderate evidence of the variant having a damaging effect on the gene or gene product (PMID: 16107207, 7689982). The variant has been reported to co-segregate with the disease in at least 5 similarly affected relatives/individuals in the same family or similarly affected unrelated families (PMID: 1722314). The variant has been reported at least twice as pathogenic with clinical assertions and evidence for the classification (ClinVar ID: VCV000017753 /PMID: 1722314 /3billion dataset). Therefore, this variant is classified as Pathogenic according to the recommendation of ACMG/AMP guideline.

Center for Genomic Medicine, Rigshospitalet, Copenhagen University Hospital
Classification: Pathogenic. Last evaluated: 2025-12-29. Review status: criteria provided, single submitter. Criteria: ACMG Guidelines, 2015. Collection method: clinical testing. Allele origin: germline.
Comment: Classification criteria: PS3, PS4, PM2_Supporting, PM4

Labcorp Genetics (formerly Invitae), Labcorp
Classification: Pathogenic. Last evaluated: 2025-08-25. Review status: criteria provided, single submitter. Criteria: Invitae Variant Classification Sherloc (09022015). Collection method: clinical testing. Allele origin: germline.
Comment: This variant, c.1199_1225del, results in the deletion of 9 amino acid(s) of the SLC4A1 protein (p.Ala400_Ala408del), but otherwise preserves the integrity of the reading frame. This variant is present in population databases (rs769664228, gnomAD 0.02%). This variant has been observed in individual(s) with autosomal dominant ovalocytosis and/or autosomal recessive distal renal tubular acidosis (PMID: 1722314, 1737855, 7919393, 7949112, 14618420, 19229254, 24652967, 28188436, 31672324, 31959358; internal data). In at least one individual the data is consistent with being in trans (on the opposite chromosome) from a pathogenic variant. ClinVar contains an entry for this variant (Variation ID: 17753). Algorithms developed to predict the effect of variants on gene product structure and function are not available or were not evaluated for this variant. Experimental studies have shown that this variant affects SLC4A1 function (PMID: 7689982, 16107207). For these reasons, this variant has been classified as Pathogenic.

Revvity Omics, Revvity
Classification: Pathogenic. Last evaluated: 2024-12-19. Review status: criteria provided, single submitter. Criteria: ACMG Guidelines, 2015. Collection method: clinical testing. Allele origin: germline.

ARUP Laboratories, Molecular Genetics and Genomics, ARUP Laboratories
Classification: Pathogenic. Last evaluated: 2024-10-04. Review status: criteria provided, single submitter. Criteria: ARUP Molecular Germline Variant Investigation Process 2024. Collection method: clinical testing. Allele origin: germline.
Comment: The SLC4A1 c.1199_1225del; p.Ala400_Ala408del variant (rs769664228) is a well-documented defect in individuals with Southeast Asian ovalocytosis (SAO) characterized by increased stomatocytes in the peripheral blood smear (Jarolim 1991, King 2009, Prayongratana 2019). While this variant leads to erythrocyte membrane deformation, the resulting ovalocytic erythrocytes are reported to be resistant to malarial parasitic invasion (Jarolim 1991). However, compound heterozygotes with a second SLC4A1 variant demonstrated hemolytic anemia, abnormal red cell membrane properties, along with distal renal tubular acidosis (Bruce 2000, Sritippayawan 2004). This variant is reported as both pathogenic and protective in ClinVar (Variation ID: 17753). This variant is found in the general population with an overall allele frequency of 0.005% (13/282788 alleles) in the Genome Aggregation Database. This variant deletes 9 amino acid residues in erythrocyte band 3 protein, also known as anion exchanger 1 (AE1), leaving the rest of the protein in-frame. Based on available information, this variant is considered to be pathogenic. References: Jarolim P et al. Deletion in erythrocyte band 3 gene in malaria-resistant Southeast Asian ovalocytosis. Proc Natl Acad Sci U S A. 1991 88:11022-11026. PMID: 1722314 King MJ et al. The mutant erythrocyte band 3 protein in Southeast Asian ovalocytosis does not bind eosin-5-maleimide. Int J Lab Hematol. 2009 31:116-117. PMID: 19230205 Prayongratana K et al. Co-inheritance of Southeast Asian Ovalocytosis (SAO) and G6PD deficiency associated with acute hemolysis in a Thai patient. Blood Cells Mol Dis. 2019 79:102347. PMID: 31323480

Blueprint Genetics
Classification: Pathogenic for SLC4A1-related disorders. Last evaluated: 2024-07-31. Review status: criteria provided, single submitter. Criteria: ACMG Guidelines, 2015. Collection method: clinical testing. Allele origin: germline. Affected: yes. Observed: 5 variant alleles.

Mayo Clinic Laboratories, Mayo Clinic
Classification: Pathogenic. Last evaluated: 2024-05-24. Review status: criteria provided, single submitter. Criteria: ACMG Guidelines, 2015. Collection method: clinical testing. Allele origin: germline.

NM_000342.4(SLC4A1):c.1199_1225del (p.Ala400_Ala408del)

Gene: SLC4A1 (solute carrier family 4 member 1 (Diego blood group); minus strand). Cytogenetic location: 17q21.31.
Variant type: Deletion.
Coding change: c.1199_1225del on transcript NM_000342.4 (MANE Select); coding-DNA positions 1199 to 1225, 27 bases deleted (CATTCAGCCCCCAGGTCCTGGCTGCCG).
Protein change: p.Ala400_Ala408del.
Molecular consequence: inframe deletion.
Genome position (GRCh38, 1-based): chr17:44,258,043-44,258,069, CGGCAGCCAGGACCTGGGGGCTGAATG deleted on the plus strand (CATTCAGCCCCCAGGTCCTGGCTGCCG on the coding strand, the reverse complement: SLC4A1 is on the minus strand); deleting any 27 consecutive bases within chr17:44,258,043-44,258,070 gives the same sequence; the c. name uses the placement nearest the transcript's 3' end. VCF-style (leftmost placement, unchanged base first): chr17-44258042-ACGGCAGCCAGGACCTGGGGGCTGAATG-A. GRCh37 (hg19) VCF-style: chr17-42335410-ACGGCAGCCAGGACCTGGGGGCTGAATG-A.
Other names: c.1199_1225del27 (NM_000342.3).
Identifiers: ClinVar variation 17753 (VCV000017753.38), dbSNP rs769664228, ClinGen allele CA213002.